The following is an entry in ClinVar:

ClinVar aggregate classification (germline): Uncertain significance (1 of 4 stars; one submission).

Conditions:
von Willebrand disease type 2 (VWD2). Also called: VON WILLEBRAND DISEASE, TYPE 2A/IIE; VON WILLEBRAND DISEASE, TYPE 2CB; VON WILLEBRAND DISEASE, TYPE II; VWD, TYPE 2. Identifiers: Orphanet 166081, Orphanet 903, MedGen C1264040, MONDO:0013304, OMIM 613554.

Submission:

Genetics and Molecular Pathology, SA Pathology
Classification: Uncertain significance for von Willebrand disease type 2. Last evaluated: 2023-06-01. Review status: criteria provided, single submitter. Criteria: ACMG Guidelines, 2015. Collection method: clinical testing. Allele origin: germline. Affected: yes.
Comment: The VWF c.1886A>C variant is classified as VUS (PM2, PP3, PP4) The VWF c.1886A>C variant is a single nucleotide change in exon 15/52 of the VWF gene, which is predicted to change the amino acid tyrosine at position 629 in the protein to serine. This variant is absent from population databases (PM2). Computational predictions support a deleterious effect on the gene or gene product (PP3). This variant is at a residue where a different variant, VWF:c.1886A>G (p.Tyr629Cys) has been seen before as a secondary mutation (HGMD:CM1510562, PMID:26207643). The family history is consistent with the mode of inheritance of this condition and this patient has a well-defined syndrome with little overlap with other clinical presentation (PP4). This variant has not been reported in dbSNP, ClinVar or HGMD.

Literature cited by the submitters: PubMed 26207643.

NM_000552.5(VWF):c.1886A>C (p.Tyr629Ser)

Gene: VWF (von Willebrand factor; minus strand). Cytogenetic location: 12p13.31.
Variant type: single nucleotide variant.
Coding change: c.1886A>C on transcript NM_000552.5 (MANE Select); coding-DNA position 1886, A replaced by C.
Protein change: p.Tyr629Ser; replaces tyrosine 629 with serine.
Molecular consequence: missense variant.
Genome position (GRCh38, 1-based): chr12:6,056,916, T>G on the plus strand (A>C on the coding strand, the complement: VWF is on the minus strand). VCF-style: chr12-6056916-T-G. GRCh37 (hg19) VCF-style: chr12-6166082-T-G.
Other names: short protein forms Y629S.
Identifiers: ClinVar variation 2664790 (VCV002664790.1), dbSNP rs2497213333, ClinGen allele CA383496974.
Genomic context (GRCh38, chr12:6,056,916, plus strand): 5'-CCACAGCGGCCTGGCTCGCGCCACGCGACGCGCACGCCTCTCCCCGCGCAGGCCGCGGCA[T>G]AGCTGGCCAGGGCGCCGCACAGGCACTCGCGGCCGTCCGAGCAGGAGCACACGTCGTAGC-3'
Protein context (NP_000543.3, residues 619-639): RECLCGALAS[Tyr629Ser]AAACAGRGVR